The following is an entry in ClinVar:

ClinVar aggregate classification (germline): Conflicting classifications of pathogenicity. Review status: criteria provided, conflicting classifications (1 of 4 stars). 3 submissions from 3 submitters: Pathogenic (2); Uncertain significance (1). Last evaluated 2026-06-08.

Conditions:
Colorectal cancer, hereditary nonpolyposis, type 7. Identifiers: Orphanet 144, MedGen C1858380, MONDO:0013725, OMIM 614385.

Allele frequency attached by ClinVar (database versions not stated): TOPMed below 0.00001; gnomAD 0.00003; gnomAD exomes below 0.00001.

Submissions (3):

Ambry Genetics
Classification: Pathogenic. Last evaluated: 2026-06-08. Review status: criteria provided, single submitter. Criteria: Ambry Variant Classification Scheme 2023. Collection method: clinical testing. Allele origin: germline.
Comment: The c.405delT pathogenic mutation, located in coding exon 1 of the MLH3 gene, results from a deletion of one nucleotide at nucleotide position 405, causing a translational frameshift with a predicted alternate stop codon. This alteration is expected to result in loss of function by premature protein truncation or nonsense-mediated mRNA decay. As such, this alteration is interpreted as a disease-causing mutation.

Myriad Genetics, Inc.
Classification: Pathogenic for Colorectal cancer, hereditary nonpolyposis, type 7. Last evaluated: 2026-03-16. Review status: criteria provided, single submitter. Criteria: Myriad Autosomal Dominant, Autosomal Recessive and X-Linked Classification Criteria (2023). Collection method: clinical testing. Allele origin: unknown.
Comment: This variant is considered pathogenic. This variant creates a frameshift predicted to result in premature protein truncation.

Labcorp Genetics (formerly Invitae), Labcorp
Classification: Uncertain significance for Colorectal cancer, hereditary nonpolyposis, type 7. Last evaluated: 2025-01-26. Review status: criteria provided, single submitter. Criteria: Invitae Variant Classification Sherloc (09022015). Collection method: clinical testing. Allele origin: germline.
Comment: This sequence change creates a premature translational stop signal (p.Asp136Metfs*2) in the MLH3 gene. It is expected to result in an absent or disrupted protein product. However, the current clinical and genetic evidence is not sufficient to establish whether loss-of-function variants in MLH3 cause disease. This variant is not present in population databases (gnomAD no frequency). This variant has not been reported in the literature in individuals affected with MLH3-related conditions. ClinVar contains an entry for this variant (Variation ID: 1018651). In summary, the available evidence is currently insufficient to determine the role of this variant in disease. Therefore, it has been classified as a Variant of Uncertain Significance.

NM_001040108.2(MLH3):c.405del (p.Asp136fs)

Gene: MLH3 (mutL homolog 3; minus strand). Cytogenetic location: 14q24.3.
Variant type: Deletion.
Coding change: c.405del on transcript NM_001040108.2 (MANE Select); coding-DNA position 405, one base deleted (T; older notation c.405delT).
Protein change: p.Asp136fs; shifts the reading frame from aspartic acid 136.
Molecular consequence: frameshift variant.
Genome position (GRCh38, 1-based): chr14:75,049,251, A deleted on the plus strand (T on the coding strand, the reverse complement: MLH3 is on the minus strand). VCF-style (leftmost placement, unchanged base first): chr14-75049250-CA-C. GRCh37 (hg19) VCF-style: chr14-75515953-CA-C.
Other names: c.405del, p.Asp136fs (NM_014381.3); short protein forms D136fs.
Identifiers: ClinVar variation 1018651 (VCV001018651.12), dbSNP rs1892496921, ClinGen allele CA964772356.